The following is an entry in ClinVar:

ClinVar aggregate classification (germline): Uncertain significance. Review status: criteria provided, multiple submitters, no conflicts (2 of 4 stars). 4 submissions from 4 submitters: Uncertain significance (3). 1 of the submissions does not count toward it. Last evaluated 2022-04-27.

Conditions:
Familial infantile myasthenia (CMS6). Also called: MYASTHENIC SYNDROME, PRESYNAPTIC, CONGENITAL, ASSOCIATED WITH EPISODIC APNEA; MYASTHENIC SYNDROME, CONGENITAL, 6, PRESYNAPTIC; Congenital myasthenic syndrome type 6. Identifiers: Orphanet 590, MedGen C0393929, MONDO:0009689, OMIM 254210.

Allele frequency attached by ClinVar (database versions not stated): TOPMed below 0.00001; ExAC 0.00001; gnomAD exomes 0.00002.
gnomAD v4.1: 23 of 1,613,830 alleles (0.0014%); highest among the groups gnomAD compares: Admixed American, 0.005%; no homozygotes.

Submissions (4):

Fulgent Genetics
Classification: Uncertain significance for Familial infantile myasthenia. Last evaluated: 2022-04-27. Review status: criteria provided, single submitter. Criteria: ACMG Guidelines, 2015. Collection method: clinical testing. Allele origin: unknown.

GeneDx
Classification: Uncertain significance. Last evaluated: 2022-04-06. Review status: criteria provided, single submitter. Criteria: GeneDx Variant Classification Process June 2021. Collection method: clinical testing. Allele origin: germline. Affected: yes.
Comment: Identified in the compound heterozygous state with a second CHAT variant in an individual with congenital myasthenic syndrome (Natera-de Benito et al., 2017); Not observed at a significant frequency in large population cohorts (gnomAD); In silico analysis supports that this missense variant has a deleterious effect on protein structure/function; This variant is associated with the following publications: (PMID: 29054425)

Women's Health and Genetics/Laboratory Corporation of America, LabCorp
Classification: Uncertain significance. Last evaluated: 2021-11-11. Review status: criteria provided, single submitter. Criteria: LabCorp Variant Classification Summary - May 2015. Collection method: clinical testing. Allele origin: germline.
Comment: Variant summary: CHAT c.1300G>A (p.Gly434Ser) results in a non-conservative amino acid change located in the Choline/carnitine acyltransferase domain (IPR039551) of the encoded protein sequence. Five of five in-silico tools predict a damaging effect of the variant on protein function. The variant allele was found at a frequency of 1.6e-05 in 250936 control chromosomes. The available data on variant occurrences in the general population are insufficient to allow any conclusion about variant significance. c.1300G>A has been reported in the literature as a compound heterozygous genotype in at-least one individual affected with Congenital Myasthenic Syndrome (example, Natera-de-Benito_2017). These data do not allow any conclusion about variant significance. To our knowledge, no experimental evidence demonstrating an impact on protein function has been reported. One clinical diagnostic laboratory has submitted clinical-significance assessments for this variant to ClinVar after 2014 without evidence for independent evaluation and classified the variant as uncertain significance. Based on the evidence outlined above, the variant was classified as uncertain significance.

Genomic Medicine Center of Excellence, King Faisal Specialist Hospital and Research Centre
Classification: Uncertain significance for Familial infantile myasthenia. Last evaluated: 2021-04-29. Review status: no assertion criteria provided. Collection method: research. Allele origin: germline. Affected: no. Not counted in ClinVar's aggregate classification.

Literature cited by the submitters: PubMed 29054425 (cited by Women's Health and Genetics/Laboratory Corporation of America, LabCorp).

NM_020549.5(CHAT):c.1300G>A (p.Gly434Ser)

Gene: CHAT (choline O-acetyltransferase; plus strand). Cytogenetic location: 10q11.23.
Variant type: single nucleotide variant.
Coding change: c.1300G>A on transcript NM_020549.5 (MANE Select); coding-DNA position 1300, G replaced by A.
Protein change: p.Gly434Ser; replaces glycine 434 with serine.
Molecular consequence: missense variant.
Genome position (GRCh38, 1-based): chr10:49,648,525, G>A. VCF-style: chr10-49648525-G-A. GRCh37 (hg19) VCF-style: chr10-50856571-G-A.
Other names: c.946G>A, p.Gly316Ser (NM_001142929.2, NM_001142934.2, NM_020984.4 and 2 more transcripts); c.1054G>A, p.Gly352Ser (NM_001142933.2); short protein forms G316S, G352S, G434S.
Identifiers: ClinVar variation 1252002 (VCV001252002.21), dbSNP rs115964813, ClinGen allele CA5497447.